The following is an entry in ClinVar:

ClinVar aggregate classification (germline): Conflicting classifications of pathogenicity. Review status: criteria provided, conflicting classifications (1 of 4 stars). 2 submissions from 2 submitters: Uncertain significance (1); Benign (1). Last evaluated 2025-12-21.

Conditions:
Hereditary cancer-predisposing syndrome. Also called: Hereditary neoplastic syndrome; Neoplastic Syndromes, Hereditary; Tumor predisposition; Hereditary Cancer Syndrome. Identifiers: Orphanet 140162, MedGen C0027672, MeSH D009386, MONDO:0015356.
Tuberous sclerosis 2 (TSC2). Identifiers: Orphanet 805, MedGen C1860707, MONDO:0013199, OMIM 613254.

Allele frequency attached by ClinVar (database versions not stated): gnomAD exomes below 0.00001; ExAC 0.00002.
gnomAD v4.1: 3 of 1,586,434 alleles (0.00019%); highest among the groups gnomAD compares: South Asian, 0.0034%; no homozygotes.

Submissions (2):

Labcorp Genetics (formerly Invitae), Labcorp
Classification: Benign for Tuberous sclerosis 2. Last evaluated: 2025-12-21. Review status: criteria provided, single submitter. Criteria: Invitae Variant Classification Sherloc (09022015). Collection method: clinical testing. Allele origin: germline.

Ambry Genetics
Classification: Uncertain significance for Hereditary cancer-predisposing syndrome. Last evaluated: 2024-07-08. Review status: criteria provided, single submitter. Criteria: Ambry Variant Classification Scheme 2023. Collection method: clinical testing. Allele origin: germline.
Comment: The p.T667A variant (also known as c.1999A>G), located in coding exon 18 of the TSC2 gene, results from an A to G substitution at nucleotide position 1999. The threonine at codon 667 is replaced by alanine, an amino acid with similar properties. This variant was identified in a cohort of 347 Chinese patients with clinically suspected diagnosis of TSC (Meng Y et al. J Hum Genet, 2021 Mar;66:227-236). This amino acid position is not well conserved in available vertebrate species, and alanine is the reference amino acid in other vertebrate species. In addition, this alteration is predicted to be tolerated by in silico analysis. Based on the available evidence, the clinical significance of this variant remains unclear.

Literature cited by the submitters: PubMed 32917966 (cited by Ambry Genetics).

NM_000548.5(TSC2):c.1999A>G (p.Thr667Ala)

Gene: TSC2 (TSC complex subunit 2; plus strand). Cytogenetic location: 16p13.3.
Variant type: single nucleotide variant.
Coding change: c.1999A>G on transcript NM_000548.5 (MANE Select); coding-DNA position 1999, A replaced by G.
Protein change: p.Thr667Ala; replaces threonine 667 with alanine.
Molecular consequence: missense variant.
Genome position (GRCh38, 1-based): chr16:2,071,836, A>G. VCF-style: chr16-2071836-A-G. GRCh37 (hg19) VCF-style: chr16-2121837-A-G.
Other names: c.1999A>G, p.Thr667Ala (NM_001077183.3, NM_001114382.3, NM_001363528.2 and 3 more transcripts); c.1888A>G, p.Thr630Ala (NM_001318827.2); c.1852A>G, p.Thr618Ala (NM_001318829.2); c.1399A>G, p.Thr467Ala (NM_001318831.2); c.2032A>G, p.Thr678Ala (NM_001318832.2); short protein forms T467A, T618A, T630A, T667A, T678A.
Identifiers: ClinVar variation 1025457 (VCV001025457.12), dbSNP rs757722513, ClinGen allele CA035463.